The following is an entry in ClinVar:

ClinVar aggregate classification (germline): Likely benign (0 of 4 stars; one submission).

Conditions:
GRIN2D-related disorder. Also called: GRIN2D-related condition.

Submission:

PreventionGenetics, part of Exact Sciences
Classification: Likely benign for GRIN2D-related condition. Last evaluated: 2024-05-02. Review status: no assertion criteria provided. Collection method: clinical testing. Allele origin: germline.
Comment: This variant is classified as likely benign based on ACMG/AMP sequence variant interpretation guidelines (Richards et al. 2015 PMID: 25741868, with internal and published modifications).

NM_000836.4(GRIN2D):c.204C>T (p.Arg68=)

Gene: GRIN2D (glutamate ionotropic receptor NMDA type subunit 2D; plus strand). Cytogenetic location: 19q13.33.
Variant type: single nucleotide variant.
Coding change: c.204C>T on transcript NM_000836.4 (MANE Select); coding-DNA position 204, C replaced by T.
Protein change: p.Arg68=; no amino-acid change (arginine 68 retained).
Molecular consequence: synonymous variant.
Genome position (GRCh38, 1-based): chr19:48,398,596, C>T. VCF-style: chr19-48398596-C-T. GRCh37 (hg19) VCF-style: chr19-48901853-C-T.
Identifiers: ClinVar variation 3047836 (VCV003047836.2), dbSNP rs2516062080, ClinGen allele CA508037542.